The following is an entry in ClinVar:

NM_004181.5(UCHL1):c.479del (p.Phe160fs)

Gene: UCHL1 (ubiquitin C-terminal hydrolase L1; plus strand). Cytogenetic location: 4p13.
Variant type: Deletion.
Coding change: c.479del on transcript NM_004181.5 (MANE Select); coding-DNA position 479, one base deleted (T; older notation c.479delT).
Protein change: p.Phe160fs; shifts the reading frame from phenylalanine 160.
Molecular consequence: frameshift variant.
Genome position (GRCh38, 1-based): chr4:41,263,244, T deleted; the last of 3 consecutive T bases (chr4:41,263,242-41,263,244); deleting any one gives the same sequence. VCF-style (leftmost placement, unchanged base first): chr4-41263241-AT-A. GRCh37 (hg19) VCF-style: chr4-41265258-AT-A.
Other names: short protein forms F160fs.
Identifiers: ClinVar variation 4992099 (VCV004992099.1).

ClinVar aggregate classification (germline): Likely pathogenic (1 of 4 stars; one submission).

Conditions:
UCHL1-related disorder. Also called: UCHL1-related condition.

Submission:

PreventionGenetics, part of Exact Sciences
Classification: Likely pathogenic for UCHL1-related condition. Last evaluated: 2025-12-22. Review status: criteria provided, single submitter. Criteria: ACMG Guidelines, 2015. Collection method: clinical testing. Allele origin: germline.
Comment: The UCHL1 c.479delT variant is predicted to result in a frameshift and premature protein termination (p.Phe160Serfs*24). To our knowledge, this variant has not been reported in the literature. This variant is absent in a large population database (gnomAD), indicating this variant is rare. Frameshift variants in UCHL1 are an established mechanism of autosomal dominant disease. This variant is interpreted as likely pathogenic.